The following is an entry in ClinVar:

ClinVar aggregate classification (germline): Uncertain significance (1 of 4 stars; one submission).

Conditions:
MEGF10-related myopathy (CMYO10A). Also called: Congenital myopathy 10A, severe variant. Identifiers: Orphanet 439212, MedGen C3280679, MONDO:0013731, OMIM 614399.

Allele frequency attached by ClinVar (database versions not stated): gnomAD exomes below 0.00001.

Submission:

Labcorp Genetics (formerly Invitae), Labcorp
Classification: Uncertain significance for MEGF10-related myopathy. Last evaluated: 2025-08-21. Review status: criteria provided, single submitter. Criteria: Invitae Variant Classification Sherloc (09022015). Collection method: clinical testing. Allele origin: germline.
Comment: This sequence change falls in intron 10 of the MEGF10 gene. It does not directly change the encoded amino acid sequence of the MEGF10 protein. It affects a nucleotide within the consensus splice site. This variant is not present in population databases (gnomAD no frequency). This variant has not been reported in the literature in individuals affected with MEGF10-related conditions. ClinVar contains an entry for this variant (Variation ID: 2054560). Variants that disrupt the consensus splice site are a relatively common cause of aberrant splicing (PMID: 17576681, 9536098). Algorithms developed to predict the effect of sequence changes on RNA splicing suggest that this variant may disrupt the consensus splice site. In summary, the available evidence is currently insufficient to determine the role of this variant in disease. Therefore, it has been classified as a Variant of Uncertain Significance.

Literature cited by the submitters: PubMed 17576681; PubMed 9536098.

NM_001256545.2(MEGF10):c.1130+2dup

Gene: MEGF10 (multiple EGF like domains 10; plus strand). Cytogenetic location: 5q23.2.
Variant type: Duplication.
Coding change: c.1130+2dup on transcript NM_001256545.2 (MANE Select); the canonical splice donor site of the intron after coding-DNA position 1130, one base duplicated (T; older notation c.1130+2dupT).
Molecular consequence: splice donor variant.
Genome position (GRCh38, 1-based): chr5:127,410,603, T duplicated. VCF-style (leftmost placement, unchanged base first): chr5-127410602-G-GT. GRCh37 (hg19) VCF-style: chr5-126746294-G-GT.
Other names: c.1130+2dup (NM_032446.3, NM_001308119.2, NM_001308121.2).
Identifiers: ClinVar variation 2054560 (VCV002054560.4), dbSNP rs2479679083, ClinGen allele CA2580072576.